The following is an entry in ClinVar:

ClinVar aggregate classification (germline): Pathogenic/Likely pathogenic. Review status: criteria provided, multiple submitters, no conflicts (2 of 4 stars). 3 submissions from 3 submitters: Pathogenic (2); Likely pathogenic (1). Last evaluated 2024-11-25.

Conditions:
Chuvash polycythemia. Also called: POLYCYTHEMIA, VHL-DEPENDENT. Identifiers: Orphanet 238557, MedGen C1837915, MONDO:0009892, OMIM 263400.
Von Hippel-Lindau syndrome (VHLS). Also called: Von Hippel-Lindau; von Hippel–Lindau syndrome; VHL syndrome. Identifiers: Orphanet 892, MedGen C0019562, MONDO:0008667, OMIM 193300. Disease mechanism: loss of function.
Hereditary cancer-predisposing syndrome. Also called: Hereditary neoplastic syndrome; Neoplastic Syndromes, Hereditary; Tumor predisposition; Hereditary Cancer Syndrome. Identifiers: Orphanet 140162, MedGen C0027672, MeSH D009386, MONDO:0015356.

Submissions (3):

Women's Health and Genetics/Laboratory Corporation of America, LabCorp
Classification: Pathogenic for Von Hippel-Lindau syndrome. Last evaluated: 2024-11-25. Review status: criteria provided, single submitter. Criteria: LabCorp Variant Classification Summary - May 2015. Collection method: clinical testing. Allele origin: germline.
Comment: Variant summary: VHL c.487C>T (p.Leu163Phe) results in a non-conservative amino acid change located in the von Hippel-Lindau disease tumour suppressor, beta/alpha domain (IPR022772) of the encoded protein sequence. Five of five in-silico tools predict a damaging effect of the variant on protein function. At-least one additional variant that alters the same codon (c.488T>C, p.Leu162Pro) has been reported with a classification of Likely Pathogenic, supporting the critical relevance of this residue to VHL protein function. The variant was absent in 251440 control chromosomes. c.487C>T has been reported in the literature in individuals affected with Von Hippel-Lindau Syndrome (example, Tong_2006, Pandit_2016, Lomte_2018, Goldstein_2020, Internal data). These data indicate that the variant is likely to be associated with disease. To our knowledge, no experimental evidence demonstrating an impact on protein function has been reported. The following publications have been ascertained in the context of this evaluation (PMID: 32671223, 29124493, 27539324, 17102088). ClinVar contains an entry for this variant (Variation ID: 480772). Based on the evidence outlined above, the variant was classified as pathogenic.

Labcorp Genetics (formerly Invitae), Labcorp
Classification: Pathogenic for Von Hippel-Lindau syndrome; Chuvash polycythemia. Last evaluated: 2023-05-15. Review status: criteria provided, single submitter. Criteria: Invitae Variant Classification Sherloc (09022015). Collection method: clinical testing. Allele origin: germline.
Comment: For these reasons, this variant has been classified as Pathogenic. This variant disrupts the p.Leu163 amino acid residue in VHL. Other variant(s) that disrupt this residue have been determined to be pathogenic (PMID: 11986208, 19270817; Invitae). This suggests that this residue is clinically significant, and that variants that disrupt this residue are likely to be disease-causing. Advanced modeling of protein sequence and biophysical properties (such as structural, functional, and spatial information, amino acid conservation, physicochemical variation, residue mobility, and thermodynamic stability) performed at Invitae indicates that this missense variant is expected to disrupt VHL protein function. ClinVar contains an entry for this variant (Variation ID: 480772). This variant is also known as 700C>T. This missense change has been observed in individuals with von Hippel-Lindau syndrome (PMID: 29124493, 32671223; Invitae). This variant is not present in population databases (gnomAD no frequency). This sequence change replaces leucine, which is neutral and non-polar, with phenylalanine, which is neutral and non-polar, at codon 163 of the VHL protein (p.Leu163Phe).

Ambry Genetics
Classification: Likely pathogenic for Hereditary cancer-predisposing syndrome. Last evaluated: 2023-02-15. Review status: criteria provided, single submitter. Criteria: Ambry Variant Classification Scheme 2023. Collection method: clinical testing. Allele origin: germline.
Comment: The p.L163F variant (also known as c.487C>T), located in coding exon 3 of the VHL gene, results from a C to T substitution at nucleotide position 487. The leucine at codon 163 is replaced by phenylalanine, an amino acid with highly similar properties. This alteration has been reported in multiple individuals with a personal and/or family history of VHL-associated disease (Tong AL et al. Ann. N. Y. Acad. Sci., 2006 Aug;1073:203-7; Pandit R et al. Eur. J. Endocrinol., 2016 12;175:X3; Lomte N et al. Fam Cancer, 2018 Jul;17:441-449; Goldstein M et al. AACE Clin Case Rep, 2020 May;6:e193-e196; Ambry internal data). Further, alterations at the same codon, p.L163P and p.L163R, have been reported in individuals with presumed sporadic Von Hippel-Lindau (VHL), as well as isolated pheochromocytoma (Cho HJ et al, J. Korean Med. Sci. 2009 Feb; 24(1):77-83; Sans&oacute; G et al, Am. J. Hypertens. 2004 Dec; 17(12 Pt 1):1107-11). Based on internal structural assessment, this alteration destabilizes the VHL elongin binding domain (Van Molle I et al. Chem. Biol., 2012 Oct;19:1300-12). This variant is considered to be rare based on population cohorts in the Genome Aggregation Database (gnomAD). This amino acid position is highly conserved in available vertebrate species. In addition, this alteration is predicted to be deleterious by in silico analysis. Based on the majority of available evidence to date, this variant is likely to be pathogenic.

Literature cited by the submitters: PubMed 17102088 (cited by Women's Health and Genetics/Laboratory Corporation of America, LabCorp and Ambry Genetics); PubMed 27539324 (cited by Women's Health and Genetics/Laboratory Corporation of America, LabCorp and Ambry Genetics); PubMed 32671223 (cited by 3 submitters); PubMed 29124493 (cited by 3 submitters); PubMed 11986208 (cited by Labcorp Genetics (formerly Invitae), Labcorp); PubMed 19270817 (cited by Labcorp Genetics (formerly Invitae), Labcorp and Ambry Genetics); PubMed 15607616 (cited by Ambry Genetics); PubMed 23102223 (cited by Ambry Genetics); PubMed 27811160 (cited by Ambry Genetics).

NM_000551.4(VHL):c.487C>T (p.Leu163Phe)

Genes: VHL (von Hippel-Lindau tumor suppressor; plus strand), LOC107303340 (3p25 von Hippel-Lindau tumor suppressor, E3 ubiquitin protein ligase Alu-mediated recombination region; plus strand). Cytogenetic location: 3p25.3.
Variant type: single nucleotide variant.
Coding change: c.487C>T on transcript NM_000551.4 (MANE Select); coding-DNA position 487, C replaced by T.
Protein change: p.Leu163Phe; replaces leucine 163 with phenylalanine.
Molecular consequence: missense variant. On other transcripts: 3 prime UTR variant (1).
Genome position (GRCh38, 1-based): chr3:10,149,810, C>T. VCF-style: chr3-10149810-C-T. GRCh37 (hg19) VCF-style: chr3-10191494-C-T.
Other names: c.*41C>T (NM_001354723.2); c.364C>T, p.Leu122Phe (NM_198156.3); short protein forms L163F, L122F.
Identifiers: ClinVar variation 480772 (VCV000480772.17), dbSNP rs1553620318, ClinGen allele CA351756135.